The following is an entry in ClinVar:

ClinVar aggregate classification (germline): Likely pathogenic (1 of 4 stars; one submission).

Conditions:
Trichothiodystrophy 2, photosensitive (TTD2). Identifiers: Orphanet 33364, MedGen C4225344, MONDO:0014615, OMIM 616390.
Xeroderma pigmentosum group B. Also called: XP, GROUP B; XPB/CS; XERODERMA PIGMENTOSUM B/COCKAYNE SYNDROME; ERCC3-Related Xeroderma Pigmentosum. Identifiers: MedGen C0268136, MONDO:0012531, OMIM 610651.

Submission:

Juno Genomics, Hangzhou Juno Genomics, Inc
Classification: Likely pathogenic for Trichothiodystrophy 2, photosensitive; Xeroderma pigmentosum group B. Review status: criteria provided, single submitter. Criteria: ACMG Guidelines, 2015. Collection method: clinical testing. Allele origin: germline.
Comment: Null variant in a gene where loss of function (LOF) is a known mechanism of disease.;Absent from controls (or at extremely low frequency if recessive) in Genome Aggregation Database.

NM_000122.2(ERCC3):c.1854_1867del (p.Glu619fs)

Gene: ERCC3 (ERCC excision repair 3, TFIIH core complex helicase subunit; minus strand). Cytogenetic location: 2q14.3.
Variant type: Deletion.
Coding change: c.1854_1867del on transcript NM_000122.2 (MANE Select); coding-DNA positions 1854 to 1867, 14 bases deleted (GGAAGCAAATGTCC).
Protein change: p.Glu619fs; shifts the reading frame from glutamic acid 619.
Molecular consequence: frameshift variant.
Genome position (GRCh38, 1-based): chr2:127,271,414-127,271,427, GGACATTTGCTTCC deleted on the plus strand (GGAAGCAAATGTCC on the coding strand, the reverse complement: ERCC3 is on the minus strand); deleting any 14 consecutive bases within chr2:127,271,414-127,271,429 gives the same sequence; the c. name uses the placement nearest the transcript's 3' end. VCF-style (leftmost placement, unchanged base first): chr2-127271413-AGGACATTTGCTTCC-A. GRCh37 (hg19) VCF-style: chr2-128028989-AGGACATTTGCTTCC-A.
Other names: c.1662_1675del, p.Glu555fs (NM_001303416.2, NM_001303418.2); short protein forms E555fs, E619fs.
Identifiers: ClinVar variation 5006061 (VCV005006061.2).